The following is an entry in ClinVar:

ClinVar aggregate classification (germline): Likely benign. Review status: criteria provided, multiple submitters, no conflicts (2 of 4 stars). 4 submissions from 4 submitters: Likely benign (4). Last evaluated 2026-05-01.

Allele frequency attached by ClinVar (database versions not stated): 1000 Genomes Project 30x 0.00016; 1000 Genomes Project 0.00020; TOPMed 0.00176; gnomAD 0.00178 and 0.00191; ESP Exome Variant Server 0.00277.
gnomAD v4.1: 3,456 of 1,613,970 alleles (0.21%); highest among the groups gnomAD compares: Non-Finnish European, 0.25%; 3 homozygotes.

Submissions (4):

CeGaT Center for Human Genetics Tuebingen
Classification: Likely benign. Last evaluated: 2026-05-01. Review status: criteria provided, single submitter. Criteria: CeGaT Center For Human Genetics Tuebingen Variant Classification Criteria Version 2. Collection method: clinical testing. Allele origin: germline. Affected: yes. Observed: 1 variant allele.
Comment: TP53BP1: BP4

Genomic Medicine Center of Excellence, King Faisal Specialist Hospital and Research Centre
Classification: Likely benign. Last evaluated: 2025-08-18. Review status: criteria provided, single submitter. Criteria: ACMG Guidelines, 2015. Collection method: clinical testing. Allele origin: germline.

Labcorp Genetics (formerly Invitae), Labcorp
Classification: Likely benign. Last evaluated: 2018-07-09. Review status: criteria provided, single submitter. Criteria: Invitae Variant Classification Sherloc (09022015). Collection method: clinical testing. Allele origin: germline.

Breakthrough Genomics
Classification: Likely benign. Review status: criteria provided, single submitter. Criteria: ACMG Guidelines, 2015. Collection method: not provided. Allele origin: germline. Inheritance: Unknown mechanism. Affected: yes.

NM_001141980.3(TP53BP1):c.1844C>T (p.Thr615Met)

Gene: TP53BP1 (tumor protein p53 binding protein 1; minus strand). Cytogenetic location: 15q15.3.
Variant type: single nucleotide variant.
Coding change: c.1844C>T on transcript NM_001141980.3 (MANE Select); coding-DNA position 1844, C replaced by T.
Protein change: p.Thr615Met; replaces threonine 615 with methionine.
Molecular consequence: missense variant. On other transcripts: 5 prime UTR variant (1).
Genome position (GRCh38, 1-based): chr15:43,456,764, G>A on the plus strand (C>T on the coding strand, the complement: TP53BP1 is on the minus strand). VCF-style: chr15-43456764-G-A. GRCh37 (hg19) VCF-style: chr15-43748962-G-A.
Other names: c.1844C>T, p.Thr615Met (NM_001141979.3); c.-1186C>T (NM_001355001.2); c.1829C>T, p.Thr610Met (NM_005657.4); short protein forms T610M, T615M.
Identifiers: ClinVar variation 774336 (VCV000774336.7), dbSNP rs141222111, ClinGen allele CA7525283.